The following is an entry in ClinVar:

ClinVar aggregate classification (germline): Uncertain significance (1 of 4 stars; one submission).

gnomAD v4.1: 1 of 1,572,862 alleles (0.000064%); highest among the groups gnomAD compares: Non-Finnish European, 0.000086%; no homozygotes.

Submission:

Ambry Genetics
Classification: Uncertain significance. Last evaluated: 2023-05-14. Review status: criteria provided, single submitter. Criteria: Ambry Variant Classification Scheme 2023. Collection method: clinical testing. Allele origin: germline.
Comment: The p.K1744E variant (also known as c.5230A>G), located in coding exon 39 of the PRKDC gene, results from an A to G substitution at nucleotide position 5230. The lysine at codon 1744 is replaced by glutamic acid, an amino acid with similar properties. This amino acid position is conserved. In addition, this alteration is predicted to be tolerated by in silico analysis. Since supporting evidence is limited at this time, the clinical significance of this alteration remains unclear.

NM_006904.7(PRKDC):c.5230A>G (p.Lys1744Glu)

Gene: PRKDC (protein kinase, DNA-activated, catalytic subunit; minus strand). Cytogenetic location: 8q11.21.
Variant type: single nucleotide variant.
Coding change: c.5230A>G on transcript NM_006904.7 (MANE Select); coding-DNA position 5230, A replaced by G.
Protein change: p.Lys1744Glu; replaces lysine 1744 with glutamic acid.
Molecular consequence: missense variant.
Genome position (GRCh38, 1-based): chr8:47,879,496, T>C on the plus strand (A>G on the coding strand, the complement: PRKDC is on the minus strand). VCF-style: chr8-47879496-T-C. GRCh37 (hg19) VCF-style: chr8-48792057-T-C.
Other names: c.5230A>G, p.Lys1744Glu (NM_001081640.2); short protein forms K1744E.
Identifiers: ClinVar variation 2564555 (VCV002564555.2), dbSNP rs1301586283, ClinGen allele CA371138114.